The following is an entry in ClinVar:

ClinVar aggregate classification (germline): Uncertain significance (1 of 4 stars; one submission).

Conditions:
Cardiovascular phenotype. Identifiers: MedGen CN230736.

Submission:

Ambry Genetics
Classification: Uncertain significance for Cardiovascular phenotype. Last evaluated: 2025-07-21. Review status: criteria provided, single submitter. Criteria: Ambry Variant Classification Scheme 2023. Collection method: clinical testing. Allele origin: germline.
Comment: The p.Q95H variant (also known as c.285G>C), located in coding exon 2 of the LMF1 gene, results from a G to C substitution at nucleotide position 285. The glutamine at codon 95 is replaced by histidine, an amino acid with highly similar properties. This amino acid position is conserved. In addition, this alteration is predicted to be tolerated by in silico analysis. Based on the available evidence, the clinical significance of this variant remains unclear.

NM_022773.4(LMF1):c.285G>C (p.Gln95His)

Gene: LMF1 (lipase maturation factor 1; minus strand). Cytogenetic location: 16p13.3.
Variant type: single nucleotide variant.
Coding change: c.285G>C on transcript NM_022773.4 (MANE Select); coding-DNA position 285, G replaced by C.
Protein change: p.Gln95His; replaces glutamine 95 with histidine.
Molecular consequence: missense variant. On other transcripts: 5 prime UTR variant (4), non-coding transcript variant (1).
Genome position (GRCh38, 1-based): chr16:954,575, C>G on the plus strand (G>C on the coding strand, the complement: LMF1 is on the minus strand). VCF-style: chr16-954575-C-G. GRCh37 (hg19) VCF-style: chr16-1004575-C-G.
Other names: c.-519G>C (NM_001352017.2); c.-270G>C (NM_001352018.2); c.-43G>C (NM_001352019.2); c.285G>C, p.Gln95His (NM_001352020.1); c.-421G>C (NM_001352021.2); short protein forms Q95H.
Identifiers: ClinVar variation 4098525 (VCV004098525.1).